The following is an entry in ClinVar:

NM_002435.3(MPI):c.1175G>A (p.Arg392His)

Gene: MPI (mannose phosphate isomerase; plus strand). Cytogenetic location: 15q24.1.
Variant type: single nucleotide variant.
Coding change: c.1175G>A on transcript NM_002435.3 (MANE Select); coding-DNA position 1175, G replaced by A.
Protein change: p.Arg392His; replaces arginine 392 with histidine.
Molecular consequence: missense variant. On other transcripts: 3 prime UTR variant (1).
Genome position (GRCh38, 1-based): chr15:74,897,633, G>A. VCF-style: chr15-74897633-G-A. GRCh37 (hg19) VCF-style: chr15-75189974-G-A.
Other names: c.*102G>A (NM_001289155.2); c.1025G>A, p.Arg342His (NM_001289156.2); c.992G>A, p.Arg331His (NM_001289157.2); c.1115G>A, p.Arg372His (NM_001330372.2); short protein forms R392H, R342H, R331H, R372H.
Identifiers: ClinVar variation 317142 (VCV000317142.6), dbSNP rs762164813, ClinGen allele CA7662663.

ClinVar aggregate classification (germline): Uncertain significance. Review status: criteria provided, multiple submitters, no conflicts (2 of 4 stars). 2 submissions from 2 submitters: Uncertain significance (2). Last evaluated 2022-02-21.

Conditions:
MPI-congenital disorder of glycosylation. Also called: CONGENITAL DISORDER OF GLYCOSYLATION, TYPE Ib; CDG Ib; MANNOSEPHOSPHATE ISOMERASE DEFICIENCY; MPI DEFICIENCY; PROTEIN-LOSING ENTEROPATHY-HEPATIC FIBROSIS SYNDROME; MPI-CDG. Identifiers: Orphanet 79319, MedGen C1865145, MONDO:0011257, OMIM 602579.

Allele frequency attached by ClinVar (database versions not stated): TOPMed 0.00003; ExAC 0.00004; gnomAD 0.00004; gnomAD exomes 0.00004.
gnomAD v4.1: 51 of 1,614,064 alleles (0.0032%); highest among the groups gnomAD compares: Admixed American, 0.0033%; no homozygotes.

Submissions (2):

Labcorp Genetics (formerly Invitae), Labcorp
Classification: Uncertain significance for MPI-congenital disorder of glycosylation. Last evaluated: 2022-02-21. Review status: criteria provided, single submitter. Criteria: Invitae Variant Classification Sherloc (09022015). Collection method: clinical testing. Allele origin: germline.
Comment: This sequence change replaces arginine, which is basic and polar, with histidine, which is basic and polar, at codon 392 of the MPI protein (p.Arg392His). This variant is present in population databases (rs762164813, gnomAD 0.03%). This variant has not been reported in the literature in individuals affected with MPI-related conditions. ClinVar contains an entry for this variant (Variation ID: 317142). Algorithms developed to predict the effect of missense changes on protein structure and function (SIFT, PolyPhen-2, Align-GVGD) all suggest that this variant is likely to be tolerated. In summary, the available evidence is currently insufficient to determine the role of this variant in disease. Therefore, it has been classified as a Variant of Uncertain Significance.

Illumina Laboratory Services, Illumina
Classification: Uncertain significance for MPI-congenital disorder of glycosylation. Last evaluated: 2018-01-12. Review status: criteria provided, single submitter. Criteria: ICSL Variant Classification Criteria 13 December 2019. Collection method: clinical testing. Allele origin: germline.